The following is an entry in ClinVar:

ClinVar aggregate classification (germline): Uncertain significance. Review status: criteria provided, multiple submitters, no conflicts (2 of 4 stars). 3 submissions from 3 submitters: Uncertain significance (3). Last evaluated 2024-01-22.

Conditions:
Deficiency of hydroxymethylglutaryl-CoA lyase (HMGCLD). Also called: Defect in leucine metabolism; 3-hydroxy-3-methylglutaric aciduria; HMG-CoA LYASE DEFICIENCY; HMGCL DEFICIENCY; HYDROXYMETHYLGLUTARIC ACIDURIA. Identifiers: Orphanet 20, MedGen C1533587, MONDO:0009520, OMIM 246450.

Allele frequency attached by ClinVar (database versions not stated): ExAC 0.00001; gnomAD exomes 0.00001; TOPMed 0.00001.

Submissions (3):

Labcorp Genetics (formerly Invitae), Labcorp
Classification: Uncertain significance for Deficiency of hydroxymethylglutaryl-CoA lyase. Last evaluated: 2024-01-22. Review status: criteria provided, single submitter. Criteria: Invitae Variant Classification Sherloc (09022015). Collection method: clinical testing. Allele origin: germline.
Comment: This sequence change replaces tyrosine, which is neutral and polar, with cysteine, which is neutral and slightly polar, at codon 238 of the HMGCL protein (p.Tyr238Cys). This variant is present in population databases (rs752132032, gnomAD 0.01%). This variant has not been reported in the literature in individuals affected with HMGCL-related conditions. ClinVar contains an entry for this variant (Variation ID: 2184693). Advanced modeling of protein sequence and biophysical properties (such as structural, functional, and spatial information, amino acid conservation, physicochemical variation, residue mobility, and thermodynamic stability) performed at Invitae indicates that this missense variant is expected to disrupt HMGCL protein function with a positive predictive value of 80%. In summary, the available evidence is currently insufficient to determine the role of this variant in disease. Therefore, it has been classified as a Variant of Uncertain Significance.

Genome-Nilou Lab
Classification: Uncertain significance for Deficiency of hydroxymethylglutaryl-CoA lyase. Last evaluated: 2023-04-11. Review status: criteria provided, single submitter. Criteria: ACMG Guidelines, 2015. Collection method: clinical testing. Allele origin: germline. Affected: no.

Revvity Omics, Revvity
Classification: Uncertain significance for Deficiency of hydroxymethylglutaryl-CoA lyase. Last evaluated: 2022-11-08. Review status: criteria provided, single submitter. Criteria: ACMG Guidelines, 2015. Collection method: clinical testing. Allele origin: germline.

NM_000191.3(HMGCL):c.713A>G (p.Tyr238Cys)

Gene: HMGCL (3-hydroxy-3-methylglutaryl-CoA lyase; minus strand). Cytogenetic location: 1p36.11.
Variant type: single nucleotide variant.
Coding change: c.713A>G on transcript NM_000191.3 (MANE Select); coding-DNA position 713, A replaced by G.
Protein change: p.Tyr238Cys; replaces tyrosine 238 with cysteine.
Molecular consequence: missense variant.
Genome position (GRCh38, 1-based): chr1:23,808,172, T>C on the plus strand (A>G on the coding strand, the complement: HMGCL is on the minus strand). VCF-style: chr1-23808172-T-C. GRCh37 (hg19) VCF-style: chr1-24134662-T-C.
Other names: c.500A>G, p.Tyr167Cys (NM_001166059.2); short protein forms Y167C, Y238C.
Identifiers: ClinVar variation 2184693 (VCV002184693.6), dbSNP rs752132032, ClinGen allele CA686003.